The following is an entry in ClinVar:

NM_004484.4(GPC3):c.17G>T (p.Arg6Leu)

Gene: GPC3 (glypican 3; minus strand). Cytogenetic location: Xq26.2.
Variant type: single nucleotide variant.
Coding change: c.17G>T on transcript NM_004484.4 (MANE Select); coding-DNA position 17, G replaced by T.
Protein change: p.Arg6Leu; replaces arginine 6 with leucine.
Molecular consequence: missense variant.
Genome position (GRCh38, 1-based): chrX:133,985,433, C>A on the plus strand (G>T on the coding strand, the complement: GPC3 is on the minus strand). VCF-style: chrX-133985433-C-A. GRCh37 (hg19) VCF-style: chrX-133119460-C-A.
Other names: c.17G>T, p.Arg6Leu (NM_001164617.2, NM_001164618.2, NM_001164619.2); short protein forms R6L.
Identifiers: ClinVar variation 2176070 (VCV002176070.4), dbSNP rs2521972404, ClinGen allele CA414707211.

ClinVar aggregate classification (germline): Uncertain significance (1 of 4 stars; one submission).

Conditions:
Wilms tumor 1 (WT1). Also called: Wilms tumor, somatic. Identifiers: Orphanet 654, MedGen CN033288, MONDO:0008679, OMIM 194070.

Allele frequency attached by ClinVar (database versions not stated): gnomAD exomes 0.00001.
gnomAD v4.1: 13 of 1,172,531 alleles (0.0011%); highest among the groups gnomAD compares: Non-Finnish European, 0.0014%; no homozygotes.

Submission:

Labcorp Genetics (formerly Invitae), Labcorp
Classification: Uncertain significance for Wilms tumor 1. Last evaluated: 2022-01-25. Review status: criteria provided, single submitter. Criteria: Invitae Variant Classification Sherloc (09022015). Collection method: clinical testing. Allele origin: germline.
Comment: In summary, the available evidence is currently insufficient to determine the role of this variant in disease. Therefore, it has been classified as a Variant of Uncertain Significance. Algorithms developed to predict the effect of missense changes on protein structure and function (SIFT, PolyPhen-2, Align-GVGD) all suggest that this variant is likely to be tolerated. This variant has not been reported in the literature in individuals affected with GPC3-related conditions. This variant is not present in population databases (gnomAD no frequency). This sequence change replaces arginine, which is basic and polar, with leucine, which is neutral and non-polar, at codon 6 of the GPC3 protein (p.Arg6Leu).